The following is an entry in ClinVar:

ClinVar aggregate classification (germline): Uncertain significance (1 of 4 stars; one submission).

Allele frequency attached by ClinVar (database versions not stated): gnomAD 0.00003; TOPMed 0.00002.
gnomAD v4.1: 4 of 1,614,090 alleles (0.00025%); highest among the groups gnomAD compares: African/African-American, 0.0053%; no homozygotes.

Submission:

Labcorp Genetics (formerly Invitae), Labcorp
Classification: Uncertain significance. Last evaluated: 2025-06-12. Review status: criteria provided, single submitter. Criteria: Invitae Variant Classification Sherloc (09022015). Collection method: clinical testing. Allele origin: germline.
Comment: This sequence change replaces serine, which is neutral and polar, with proline, which is neutral and non-polar, at codon 367 of the UMOD protein (p.Ser367Pro). This variant is not present in population databases (gnomAD no frequency). This variant has not been reported in the literature in individuals affected with UMOD-related conditions. ClinVar contains an entry for this variant (Variation ID: 1957788). Invitae Evidence Modeling of protein sequence and biophysical properties (such as structural, functional, and spatial information, amino acid conservation, physicochemical variation, residue mobility, and thermodynamic stability) indicates that this missense variant is not expected to disrupt UMOD protein function with a negative predictive value of 80%. In summary, the available evidence is currently insufficient to determine the role of this variant in disease. Therefore, it has been classified as a Variant of Uncertain Significance.

NM_003361.4(UMOD):c.1099T>C (p.Ser367Pro)

Gene: UMOD (uromodulin; minus strand). Cytogenetic location: 16p12.3.
Variant type: single nucleotide variant.
Coding change: c.1099T>C on transcript NM_003361.4 (MANE Select); coding-DNA position 1099, T replaced by C.
Protein change: p.Ser367Pro; replaces serine 367 with proline.
Molecular consequence: missense variant. On other transcripts: non-coding transcript variant (1).
Genome position (GRCh38, 1-based): chr16:20,346,209, A>G on the plus strand (T>C on the coding strand, the complement: UMOD is on the minus strand). VCF-style: chr16-20346209-A-G. GRCh37 (hg19) VCF-style: chr16-20357531-A-G.
Other names: c.1099T>C, p.Ser367Pro (NM_001008389.3, NM_001378232.1, NM_001378233.1 and 3 more transcripts); c.1198T>C, p.Ser400Pro (NM_001278614.2); short protein forms S367P, S400P.
Identifiers: ClinVar variation 1957788 (VCV001957788.5), dbSNP rs1010239177, ClinGen allele CA279297782.
Genomic context (GRCh38, chr16:20,346,209, plus strand): 5'-CATCCCGGGCTGGGGTCACTACAGACACCCAGTCCCGGTTGTCTCTGTCATTGAAGCCCG[A>G]GCACCGGCTGTCACTCAGGTACATGAAGACCTTGTCGAAGCCCAGACTCTTCAGCTGGCA-3'
Protein context (NP_003352.2, residues 357-377): VFMYLSDSRC[Ser367Pro]GFNDRDNRDW